The following is an entry in ClinVar:

ClinVar aggregate classification (germline): Likely benign. Review status: criteria provided, multiple submitters, no conflicts (2 of 4 stars). 6 submissions from 6 submitters: Likely benign (4). 2 of the submissions do not count toward it. Last evaluated 2026-01-20.

Conditions:
Chédiak-Higashi syndrome (CHS). Also called: Chediak-Higashi Syndrome. Identifiers: Orphanet 167, MedGen C0007965, MONDO:0008963, OMIM 214500.

Allele frequency attached by ClinVar (database versions not stated): TOPMed 0.00001; gnomAD exomes 0.00002 and 0.00003.
gnomAD v4.1: 37 of 1,583,012 alleles (0.0023%); highest among the groups gnomAD compares: Non-Finnish European, 0.0031%; no homozygotes.

Submissions (6):

Labcorp Genetics (formerly Invitae), Labcorp
Classification: Likely benign for Chédiak-Higashi syndrome. Last evaluated: 2026-01-20. Review status: criteria provided, single submitter. Criteria: Invitae Variant Classification Sherloc (09022015). Collection method: clinical testing. Allele origin: germline.

Blueprint Genetics
Classification: Likely benign. Last evaluated: 2024-10-25. Review status: criteria provided, single submitter. Criteria: ACMG Guidelines, 2015. Collection method: clinical testing. Allele origin: germline.

Women's Health and Genetics/Laboratory Corporation of America, LabCorp
Classification: Likely benign. Last evaluated: 2024-10-11. Review status: criteria provided, single submitter. Criteria: LabCorp Variant Classification Summary - May 2015. Collection method: clinical testing. Allele origin: germline.

CeGaT Center for Human Genetics Tuebingen
Classification: Likely benign. Last evaluated: 2023-05-01. Review status: criteria provided, single submitter. Criteria: CeGaT Center For Human Genetics Tuebingen Variant Classification Criteria Version 2. Collection method: clinical testing. Allele origin: germline. Affected: yes. Observed: 1 variant allele.
Comment: LYST: BP4, BP7

Clinical Genetics DNA and cytogenetics Diagnostics Lab, Erasmus MC, Erasmus Medical Center
Classification: Likely benign. Review status: no assertion criteria provided. Collection method: clinical testing. Allele origin: germline. Affected: yes. Study: VKGL Data-share Consensus. Not counted in ClinVar's aggregate classification.

Genome Diagnostics Laboratory, University Medical Center Utrecht
Classification: Likely benign. Review status: no assertion criteria provided. Collection method: clinical testing. Allele origin: germline. Affected: yes. Study: VKGL Data-share Consensus. Not counted in ClinVar's aggregate classification.

NM_000081.4(LYST):c.9834T>C (p.Thr3278=)

Gene: LYST (lysosomal trafficking regulator; minus strand). Cytogenetic location: 1q42.3.
Variant type: single nucleotide variant.
Coding change: c.9834T>C on transcript NM_000081.4 (MANE Select); coding-DNA position 9834, T replaced by C.
Protein change: p.Thr3278=; no amino-acid change (threonine 3278 retained).
Molecular consequence: synonymous variant.
Genome position (GRCh38, 1-based): chr1:235,712,148, A>G on the plus strand (T>C on the coding strand, the complement: LYST is on the minus strand). VCF-style: chr1-235712148-A-G. GRCh37 (hg19) VCF-style: chr1-235875448-A-G.
Other names: c.9834T>C, p.Thr3278= (NM_001301365.1).
Identifiers: ClinVar variation 1117433 (VCV001117433.35), dbSNP rs901343967, ClinGen allele CA39597035.